The following is an entry in ClinVar:

ClinVar aggregate classification (germline): Benign/Likely benign. Review status: criteria provided, multiple submitters, no conflicts (2 of 4 stars). 2 submissions from 2 submitters: Benign (1); Likely benign (1). Last evaluated 2026-02-01.

Allele frequency attached by ClinVar (database versions not stated): gnomAD exomes 0.00007 and 0.00022; ExAC 0.00034; 1000 Genomes Project 30x 0.00078; 1000 Genomes Project 0.00080; TOPMed 0.00107; gnomAD 0.00111 and 0.00122; ESP Exome Variant Server 0.00123.

Submissions (2):

CeGaT Center for Human Genetics Tuebingen
Classification: Likely benign. Last evaluated: 2026-02-01. Review status: criteria provided, single submitter. Criteria: CeGaT Center For Human Genetics Tuebingen Variant Classification Criteria Version 2. Collection method: clinical testing. Allele origin: germline. Affected: yes. Observed: 2 variant alleles.
Comment: SON: BP4, BP7, BS1

Labcorp Genetics (formerly Invitae), Labcorp
Classification: Benign. Last evaluated: 2026-01-28. Review status: criteria provided, single submitter. Criteria: Invitae Variant Classification Sherloc (09022015). Collection method: clinical testing. Allele origin: germline.

NM_138927.4(SON):c.3408C>T (p.Tyr1136=)

Gene: SON (SON DNA and RNA binding protein; plus strand). Cytogenetic location: 21q22.11.
Variant type: single nucleotide variant.
Coding change: c.3408C>T on transcript NM_138927.4 (MANE Select); coding-DNA position 3408, C replaced by T.
Protein change: p.Tyr1136=; no amino-acid change (tyrosine 1136 retained).
Molecular consequence: synonymous variant. On other transcripts: non-coding transcript variant (1), intron variant (1).
Genome position (GRCh38, 1-based): chr21:33,552,639, C>T. VCF-style: chr21-33552639-C-T. GRCh37 (hg19) VCF-style: chr21-34924945-C-T.
Other names: c.3408C>T, p.Tyr1136= (NM_001291411.2, NM_032195.3); c.245-4517C>T (NM_001291412.3).
Identifiers: ClinVar variation 1538802 (VCV001538802.14), dbSNP rs141414634, ClinGen allele CA10009292.